The following is an entry in ClinVar:

ClinVar aggregate classification (germline): Conflicting classifications of pathogenicity. Review status: criteria provided, conflicting classifications (1 of 4 stars). 2 submissions from 2 submitters: Uncertain significance (1); Likely benign (1). Last evaluated 2025-07-10.

Conditions:
Inborn genetic diseases. Identifiers: MedGen C0950123, MeSH D030342.
KCNC2-related disorder.

Allele frequency attached by ClinVar (database versions not stated): TOPMed 0.00006; gnomAD 0.00007.
gnomAD v4.1: 200 of 1,590,750 alleles (0.013%); highest among the groups gnomAD compares: Middle Eastern, 0.017%; no homozygotes.

Submissions (2):

PreventionGenetics, part of Exact Sciences
Classification: Likely benign for KCNC2-related condition. Last evaluated: 2025-07-10. Review status: criteria provided, single submitter. Criteria: ACMG Guidelines, 2015. Collection method: clinical testing. Allele origin: germline.
Comment: This variant is classified as likely benign based on ACMG/AMP sequence variant interpretation guidelines (Richards et al. 2015 PMID: 25741868, with internal and published modifications).

Ambry Genetics
Classification: Uncertain significance for Inborn genetic diseases. Last evaluated: 2022-01-26. Review status: criteria provided, single submitter. Criteria: Ambry Variant Classification Scheme 2023. Collection method: clinical testing. Allele origin: germline.

NM_139137.4(KCNC2):c.586G>A (p.Ala196Thr)

Gene: KCNC2 (potassium voltage-gated channel subfamily C member 2; minus strand). Cytogenetic location: 12q21.1.
Variant type: single nucleotide variant.
Coding change: c.586G>A on transcript NM_139137.4 (MANE Select); coding-DNA position 586, G replaced by A.
Protein change: p.Ala196Thr; replaces alanine 196 with threonine.
Molecular consequence: missense variant.
Genome position (GRCh38, 1-based): chr12:75,207,398, C>T on the plus strand (G>A on the coding strand, the complement: KCNC2 is on the minus strand). VCF-style: chr12-75207398-C-T. GRCh37 (hg19) VCF-style: chr12-75601178-C-T.
Other names: c.586G>A, p.Ala196Thr (NM_001414196.1, NM_001414197.1, NM_001414198.1 and 13 more transcripts); c.586G>A (NM_139137.3); short protein forms A196T.
Identifiers: ClinVar variation 2384282 (VCV002384282.3), dbSNP rs201721348, ClinGen allele CA6691231.